The following is an entry in ClinVar:

NM_032119.4(ADGRV1):c.12184C>T (p.Arg4062Trp)

Gene: ADGRV1 (adhesion G protein-coupled receptor V1; plus strand). Cytogenetic location: 5q14.3.
Variant type: single nucleotide variant.
Coding change: c.12184C>T on transcript NM_032119.4 (MANE Select); coding-DNA position 12184, C replaced by T.
Protein change: p.Arg4062Trp; replaces arginine 4062 with tryptophan.
Molecular consequence: missense variant. On other transcripts: non-coding transcript variant (1).
Genome position (GRCh38, 1-based): chr5:90,763,368, C>T. VCF-style: chr5-90763368-C-T. GRCh37 (hg19) VCF-style: chr5-90059185-C-T.
Other names: short protein forms R4062W.
Identifiers: ClinVar variation 1450452 (VCV001450452.6), dbSNP rs775426944, ClinGen allele CA3341167.

ClinVar aggregate classification (germline): Uncertain significance. Review status: criteria provided, multiple submitters, no conflicts (2 of 4 stars). 2 submissions from 2 submitters: Uncertain significance (2). Last evaluated 2022-06-20.

Conditions:
Usher syndrome type 2C. Also called: USHER SYNDROME, TYPE IIC; Usher syndrome, type 2B. Identifiers: Orphanet 231178, Orphanet 886, MedGen C2931213, MONDO:0011558, OMIM 605472.
Febrile seizures, familial, 4 (FEB4). Also called: CONVULSIONS, FAMILIAL FEBRILE, 4. Identifiers: MedGen C1858493, MONDO:0011443, OMIM 604352.

Allele frequency attached by ClinVar (database versions not stated): TOPMed below 0.00001; gnomAD exomes 0.00001; ExAC 0.00002.
gnomAD v4.1: 14 of 1,611,968 alleles (0.00087%); highest among the groups gnomAD compares: South Asian, 0.0011%; no homozygotes.

Submissions (2):

Labcorp Genetics (formerly Invitae), Labcorp
Classification: Uncertain significance. Last evaluated: 2022-06-20. Review status: criteria provided, single submitter. Criteria: Invitae Variant Classification Sherloc (09022015). Collection method: clinical testing. Allele origin: germline.
Comment: This sequence change replaces arginine, which is basic and polar, with tryptophan, which is neutral and slightly polar, at codon 4062 of the ADGRV1 protein (p.Arg4062Trp). This variant is present in population databases (rs775426944, gnomAD 0.0009%). This variant has not been reported in the literature in individuals affected with ADGRV1-related conditions. Algorithms developed to predict the effect of missense changes on protein structure and function are either unavailable or do not agree on the potential impact of this missense change (SIFT: "Deleterious"; PolyPhen-2: "Probably Damaging"; Align-GVGD: "Class C0"). In summary, the available evidence is currently insufficient to determine the role of this variant in disease. Therefore, it has been classified as a Variant of Uncertain Significance.

Fulgent Genetics
Classification: Uncertain significance for Febrile seizures, familial, 4; Usher syndrome type 2C. Last evaluated: 2022-03-28. Review status: criteria provided, single submitter. Criteria: ACMG Guidelines, 2015. Collection method: clinical testing. Allele origin: unknown.